The following is an entry in ClinVar:

ClinVar aggregate classification (germline): Uncertain significance. Review status: criteria provided, multiple submitters, no conflicts (2 of 4 stars). 3 submissions from 3 submitters: Uncertain significance (3). Last evaluated 2024-07-29.

Allele frequency attached by ClinVar (database versions not stated): ExAC 0.00019; gnomAD 0.00020 and 0.00021; gnomAD exomes 0.00020 and 0.00041; TOPMed 0.00025; ESP Exome Variant Server 0.00031.
gnomAD v4.1: 649 of 1,613,992 alleles (0.04%); highest among the groups gnomAD compares: Non-Finnish European, 0.051%; 3 homozygotes.

Submissions (3):

Blueprint Genetics
Classification: Uncertain significance. Last evaluated: 2024-07-29. Review status: criteria provided, single submitter. Criteria: ACMG Guidelines, 2015. Collection method: clinical testing. Allele origin: germline.

Labcorp Genetics (formerly Invitae), Labcorp
Classification: Uncertain significance. Last evaluated: 2022-10-24. Review status: criteria provided, single submitter. Criteria: Invitae Variant Classification Sherloc (09022015). Collection method: clinical testing. Allele origin: germline.
Comment: This sequence change replaces methionine, which is neutral and non-polar, with threonine, which is neutral and polar, at codon 276 of the ARSG protein (p.Met276Thr). This variant is present in population databases (rs149548617, gnomAD 0.03%). This variant has not been reported in the literature in individuals affected with ARSG-related conditions. ClinVar contains an entry for this variant (Variation ID: 960918). Algorithms developed to predict the effect of missense changes on protein structure and function (SIFT, PolyPhen-2, Align-GVGD) all suggest that this variant is likely to be disruptive. In summary, the available evidence is currently insufficient to determine the role of this variant in disease. Therefore, it has been classified as a Variant of Uncertain Significance.

Ambry Genetics
Classification: Uncertain significance. Last evaluated: 2021-10-06. Review status: criteria provided, single submitter. Criteria: Ambry Variant Classification Scheme 2023. Collection method: clinical testing. Allele origin: germline.

NM_001267727.2(ARSG):c.827T>C (p.Met276Thr)

Gene: ARSG (arylsulfatase G; plus strand). Cytogenetic location: 17q24.2.
Variant type: single nucleotide variant.
Coding change: c.827T>C on transcript NM_001267727.2 (MANE Select); coding-DNA position 827, T replaced by C.
Protein change: p.Met276Thr; replaces methionine 276 with threonine.
Molecular consequence: missense variant.
Genome position (GRCh38, 1-based): chr17:68,368,670, T>C. VCF-style: chr17-68368670-T-C. GRCh37 (hg19) VCF-style: chr17-66364811-T-C.
Other names: c.827T>C (NM_014960.3); c.827T>C, p.Met276Thr (NM_001352899.2, NM_001352900.2, NM_001352901.2 and 3 more transcripts); c.824T>C, p.Met275Thr (NM_001352903.2, NM_001352904.2, NM_001352905.2 and 2 more transcripts); c.779T>C, p.Met260Thr (NM_001352909.2); short protein forms M260T, M275T, M276T.
Identifiers: ClinVar variation 960918 (VCV000960918.7), dbSNP rs149548617, ClinGen allele CA8728372.